The following is an entry in ClinVar:

ClinVar aggregate classification (germline): Benign/Likely benign. Review status: criteria provided, multiple submitters, no conflicts (2 of 4 stars). 3 submissions from 3 submitters: Benign (1); Likely benign (2). Last evaluated 2024-10-30.

Conditions:
Familial cancer of breast. Also called: Hereditary breast cancer; BREAST CANCER, FAMILIAL; hereditary breast carcinoma. Identifiers: Orphanet 227535, MedGen C0346153, MONDO:0016419, OMIM 114480. Disease mechanism: loss of function.
Fanconi anemia complementation group J. Also called: BRIP1-Related Fanconi Anemia. Identifiers: Orphanet 84, MedGen C1836860, MONDO:0012187, OMIM 609054.
Hereditary cancer-predisposing syndrome. Also called: Hereditary neoplastic syndrome; Tumor predisposition; Neoplastic Syndromes, Hereditary; Hereditary Cancer Syndrome. Identifiers: Orphanet 140162, MedGen C0027672, MeSH D009386, MONDO:0015356.

Allele frequency attached by ClinVar (database versions not stated): gnomAD exomes below 0.00001.
gnomAD v4.1: 1 of 1,613,498 alleles (0.000062%); highest among the groups gnomAD compares: South Asian, 0.0011%; no homozygotes.

Submissions (3):

Ambry Genetics
Classification: Likely benign for Hereditary cancer-predisposing syndrome. Last evaluated: 2024-10-30. Review status: criteria provided, single submitter. Criteria: Ambry Variant Classification Scheme 2023. Collection method: clinical testing. Allele origin: germline.

Labcorp Genetics (formerly Invitae), Labcorp
Classification: Likely benign for Familial cancer of breast; Fanconi anemia complementation group J. Last evaluated: 2024-09-21. Review status: criteria provided, single submitter. Criteria: Invitae Variant Classification Sherloc (09022015). Collection method: clinical testing. Allele origin: germline.

Myriad Genetics, Inc.
Classification: Benign for Familial cancer of breast. Last evaluated: 2024-08-22. Review status: criteria provided, single submitter. Criteria: Myriad Autosomal Dominant, Autosomal Recessive and X-Linked Classification Criteria (2023). Collection method: clinical testing. Allele origin: unknown.
Comment: This variant is considered benign. This variant is a silent/synonymous amino acid change and it is not expected to impact splicing.

NM_032043.3(BRIP1):c.894C>T (p.Cys298=)

Gene: BRIP1 (BRCA1 interacting DNA helicase 1; minus strand). Cytogenetic location: 17q23.2.
Variant type: single nucleotide variant.
Coding change: c.894C>T on transcript NM_032043.3 (MANE Select); coding-DNA position 894, C replaced by T.
Protein change: p.Cys298=; no amino-acid change (cysteine 298 retained).
Molecular consequence: synonymous variant.
Genome position (GRCh38, 1-based): chr17:61,808,491, G>A on the plus strand (C>T on the coding strand, the complement: BRIP1 is on the minus strand). VCF-style: chr17-61808491-G-A. GRCh37 (hg19) VCF-style: chr17-59885852-G-A.
Identifiers: ClinVar variation 959996 (VCV000959996.12), dbSNP rs2078107086, ClinGen allele CA501335379.